The following is an entry in ClinVar:

ClinVar aggregate classification (germline): Uncertain significance (0 of 4 stars; one submission).

Conditions:
Ventricular fibrillation, paroxysmal familial, 2 (VF2). Identifiers: Orphanet 228140, MedGen C2751829, MONDO:0013063, OMIM 612956.

gnomAD v4.1: 1 of 1,236,032 alleles (0.000081%); no homozygotes.

Submission:

Dept. of Hyperbaric Medicine, No.971 Hospital of the People's Liberation Army Navy
Classification: Uncertain significance for Ventricular fibrillation, paroxysmal familial, 2. Last evaluated: 2026-07-21. Review status: no assertion criteria provided. Collection method: clinical testing. Allele origin: germline. Affected: yes.
Comment: It was classified as a Variant of Uncertain Significance (VUS) based on the following evidence: (1) extremely rare population frequency (gnomAD v4.1.1, 9.19 × 10⁻⁷); (2) benign in silico predictions (REVEL 0.046); (3) located in DPP6, a gene with published functional evidence for association with familial idiopathic ventricular fibrillation; and (4) low to negligible cardiac tissue expression (left ventricle median TPM 0.042). No functional studies were performed for this specific variant.

NM_130797.4(DPP6):c.127C>T (p.Pro43Ser)

Gene: DPP6 (dipeptidyl peptidase like 6; plus strand). Cytogenetic location: 7q36.2.
Variant type: single nucleotide variant.
Coding change: c.127C>T on transcript NM_130797.4 (MANE Select); coding-DNA position 127, C replaced by T.
Protein change: p.Pro43Ser; replaces proline 43 with serine.
Molecular consequence: missense variant. On other transcripts: intron variant (6).
Genome position (GRCh38, 1-based): chr7:154,052,947, C>T. VCF-style: chr7-154052947-C-T. GRCh37 (hg19) VCF-style: chr7-153750032-C-T.
Other names: c.127C>T, p.Pro43Ser (NM_001290253.2); c.60+303939C>T (NM_001364500.2, NM_001364499.2, NM_001364497.2 and 1 more transcripts); c.51+165213C>T (NM_001364501.2, NM_001039350.3); short protein forms P43S.
Identifiers: ClinVar variation 4884466 (VCV004884466.1).
Genomic context (GRCh38, chr7:154,052,947, plus strand): 5'-GAGGCGAGTCACCTCCTGGGCGGCCAGGGGCCCGAGGAGGACGGCGGCGCAGGAGCCAAG[C>T]CCCTCGGCCCGCGGGCGCAGGCGGCGGCGCCCCGGGAGCGCGGCGGCGGCGGCGGCGGCG-3'
Protein context (NP_570629.2, residues 33-53): PEEDGGAGAK[Pro43Ser]LGPRAQAAAP